The following is an entry in ClinVar:

NM_001563.4(IMPG1):c.1670A>G (p.Gln557Arg)

Gene: IMPG1 (interphotoreceptor matrix proteoglycan 1; minus strand). Cytogenetic location: 6q14.1.
Variant type: single nucleotide variant.
Coding change: c.1670A>G on transcript NM_001563.4 (MANE Select); coding-DNA position 1670, A replaced by G.
Protein change: p.Gln557Arg; replaces glutamine 557 with arginine.
Molecular consequence: missense variant.
Genome position (GRCh38, 1-based): chr6:75,950,716, T>C on the plus strand (A>G on the coding strand, the complement: IMPG1 is on the minus strand). VCF-style: chr6-75950716-T-C. GRCh37 (hg19) VCF-style: chr6-76660433-T-C.
Other names: c.1436A>G, p.Gln479Arg (NM_001282368.2); short protein forms Q479R, Q557R.
Identifiers: ClinVar variation 1963514 (VCV001963514.5), dbSNP rs963852045, ClinGen allele CA141083321.

ClinVar aggregate classification (germline): Uncertain significance (1 of 4 stars; one submission).

Allele frequency attached by ClinVar (database versions not stated): gnomAD exomes 0.00001.
gnomAD v4.1: 11 of 1,614,026 alleles (0.00068%); highest among the groups gnomAD compares: East Asian, 0.0022%; no homozygotes.

Submission:

Labcorp Genetics (formerly Invitae), Labcorp
Classification: Uncertain significance. Last evaluated: 2022-02-04. Review status: criteria provided, single submitter. Criteria: Invitae Variant Classification Sherloc (09022015). Collection method: clinical testing. Allele origin: germline.
Comment: In summary, the available evidence is currently insufficient to determine the role of this variant in disease. Therefore, it has been classified as a Variant of Uncertain Significance. Algorithms developed to predict the effect of missense changes on protein structure and function output the following: SIFT: "Tolerated"; PolyPhen-2: "Benign"; Align-GVGD: "Class C0". The arginine amino acid residue is found in multiple mammalian species, which suggests that this missense change does not adversely affect protein function. This variant has not been reported in the literature in individuals affected with IMPG1-related conditions. This variant is not present in population databases (gnomAD no frequency). This sequence change replaces glutamine, which is neutral and polar, with arginine, which is basic and polar, at codon 557 of the IMPG1 protein (p.Gln557Arg).